The following is an entry in ClinVar:

NM_021008.4(DEAF1):c.598G>A (p.Asp200Asn)

Gene: DEAF1 (DEAF1 transcription factor; minus strand). Cytogenetic location: 11p15.5.
Variant type: single nucleotide variant.
Coding change: c.598G>A on transcript NM_021008.4 (MANE Select); coding-DNA position 598, G replaced by A.
Protein change: p.Asp200Asn; replaces aspartic acid 200 with asparagine.
Molecular consequence: missense variant. On other transcripts: 5 prime UTR variant (1).
Genome position (GRCh38, 1-based): chr11:687,977, C>T on the plus strand (G>A on the coding strand, the complement: DEAF1 is on the minus strand). VCF-style: chr11-687977-C-T. GRCh37 (hg19) VCF-style: chr11-687977-C-T.
Other names: c.598G>A, p.Asp200Asn (NM_001293634.2); c.-129G>A (NM_001367390.1); short protein forms D200N.
Identifiers: ClinVar variation 2038204 (VCV002038204.6), dbSNP rs760535349, ClinGen allele CA5786484.
Genomic context (GRCh38, chr11:687,977, plus strand): 5'-CGAGCCTGTTCTTGTACAGAGTGCCGCTGATGTTCCGGCACCGTACGGGCAGCTCACTGT[C>T]GTACACAGAAGGGTCCCAGTTGTATTTAGTTCCACCTTTTTCTTGGCCGGGAGCCAGAGG-3'
Protein context (NP_066288.2, residues 190-210): TKYNWDPSVY[Asp200Asn]SELPVRCRNI

ClinVar aggregate classification (germline): Conflicting classifications of pathogenicity. Review status: criteria provided, conflicting classifications (1 of 4 stars). 2 submissions from 2 submitters: Uncertain significance (1); Likely benign (1). Last evaluated 2026-01-26.

Conditions:
Inborn genetic diseases. Identifiers: MedGen C0950123, MeSH D030342.

Allele frequency attached by ClinVar (database versions not stated): ExAC 0.00002.
gnomAD v4.1: 10 of 1,614,072 alleles (0.00062%); highest among the groups gnomAD compares: Admixed American, 0.005%; no homozygotes.

Submissions (2):

Ambry Genetics
Classification: Likely benign for Inborn genetic diseases. Last evaluated: 2026-01-26. Review status: criteria provided, single submitter. Criteria: Ambry Variant Classification Scheme 2023. Collection method: clinical testing. Allele origin: germline.

Labcorp Genetics (formerly Invitae), Labcorp
Classification: Uncertain significance. Last evaluated: 2022-03-31. Review status: criteria provided, single submitter. Criteria: Invitae Variant Classification Sherloc (09022015). Collection method: clinical testing. Allele origin: germline.
Comment: Algorithms developed to predict the effect of missense changes on protein structure and function are either unavailable or do not agree on the potential impact of this missense change (SIFT: "Tolerated"; PolyPhen-2: "Possibly Damaging"; Align-GVGD: "Class C0"). In summary, the available evidence is currently insufficient to determine the role of this variant in disease. Therefore, it has been classified as a Variant of Uncertain Significance. This variant has not been reported in the literature in individuals affected with DEAF1-related conditions. This variant is present in population databases (rs760535349, gnomAD 0.003%). This sequence change replaces aspartic acid, which is acidic and polar, with asparagine, which is neutral and polar, at codon 200 of the DEAF1 protein (p.Asp200Asn).